The following is an entry in ClinVar:

ClinVar aggregate classification (germline): Uncertain significance (1 of 4 stars; one submission).

Submission:

Labcorp Genetics (formerly Invitae), Labcorp
Classification: Uncertain significance. Last evaluated: 2025-10-06. Review status: criteria provided, single submitter. Criteria: Invitae Variant Classification Sherloc (09022015). Collection method: clinical testing. Allele origin: germline.
Comment: This sequence change replaces methionine, which is neutral and non-polar, with threonine, which is neutral and polar, at codon 324 of the IL12RB2 protein (p.Met324Thr). This variant is not present in population databases (gnomAD no frequency). This variant has not been reported in the literature in individuals affected with IL12RB2-related conditions. An algorithm developed to predict the effect of missense changes on protein structure and function outputs the following: PolyPhen-2: "Benign". The threonine amino acid residue is found in multiple mammalian species, which suggests that this missense change does not adversely affect protein function. In summary, the available evidence is currently insufficient to determine the role of this variant in disease. Therefore, it has been classified as a Variant of Uncertain Significance.

NM_001374259.2(IL12RB2):c.971T>C (p.Met324Thr)

Gene: IL12RB2 (interleukin 12 receptor subunit beta 2; plus strand). Cytogenetic location: 1p31.3.
Variant type: single nucleotide variant.
Coding change: c.971T>C on transcript NM_001374259.2 (MANE Select); coding-DNA position 971, T replaced by C.
Protein change: p.Met324Thr; replaces methionine 324 with threonine.
Molecular consequence: missense variant. On other transcripts: non-coding transcript variant (2).
Genome position (GRCh38, 1-based): chr1:67,338,636, T>C. VCF-style: chr1-67338636-T-C. GRCh37 (hg19) VCF-style: chr1-67804319-T-C.
Other names: c.971T>C, p.Met324Thr (NM_001258214.1, NM_001258215.1, NM_001258216.1 and 2 more transcripts); short protein forms M324T.
Identifiers: ClinVar variation 4710640 (VCV004710640.1).